The following is an entry in ClinVar:

NM_000023.4(SGCA):c.201G>A (p.Gln67=)

Gene: SGCA (sarcoglycan alpha; plus strand). Cytogenetic location: 17q21.33.
Variant type: single nucleotide variant.
Coding change: c.201G>A on transcript NM_000023.4 (MANE Select); coding-DNA position 201, G replaced by A.
Protein change: p.Gln67=; no amino-acid change (glutamine 67 retained).
Molecular consequence: synonymous variant. On other transcripts: non-coding transcript variant (1).
Genome position (GRCh38, 1-based): chr17:50,167,625, G>A. VCF-style: chr17-50167625-G-A. GRCh37 (hg19) VCF-style: chr17-48244986-G-A.
Other names: c.201G>A, p.Gln67= (NM_001135697.3).
Identifiers: ClinVar variation 2145236 (VCV002145236.27), dbSNP rs756679424, ClinGen allele CA8643733.

ClinVar aggregate classification (germline): Likely benign. Review status: criteria provided, multiple submitters, no conflicts (2 of 4 stars). 2 submissions from 2 submitters: Likely benign (2). Last evaluated 2025-11-24.

Conditions:
Autosomal recessive limb-girdle muscular dystrophy type 2D (LGMDR3). Also called: ADHALINOPATHY, PRIMARY; MUSCULAR DYSTROPHY, LIMB-GIRDLE, AUTOSOMAL RECESSIVE 3; DUCHENNE-LIKE AUTOSOMAL RECESSIVE MUSCULAR DYSTROPHY, TYPE 2. Identifiers: Orphanet 62, MedGen C2936332, MONDO:0011968, OMIM 608099. Disease mechanism: Affects gamma-sarcoglycan and also disrupts the integrity of the entire sarcoglycan complex..

Allele frequency attached by ClinVar (database versions not stated): gnomAD exomes 0.00003; ExAC 0.00005.

Submissions (2):

Labcorp Genetics (formerly Invitae), Labcorp
Classification: Likely benign for Autosomal recessive limb-girdle muscular dystrophy type 2D. Last evaluated: 2025-11-24. Review status: criteria provided, single submitter. Criteria: Invitae Variant Classification Sherloc (09022015). Collection method: clinical testing. Allele origin: germline.

CeGaT Center for Human Genetics Tuebingen
Classification: Likely benign. Last evaluated: 2022-10-01. Review status: criteria provided, single submitter. Criteria: CeGaT Center For Human Genetics Tuebingen Variant Classification Criteria Version 2. Collection method: clinical testing. Allele origin: germline. Affected: yes. Observed: 1 variant allele.
Comment: SGCA: BP4, BP7